The following is an entry in ClinVar:

NM_152564.5(VPS13B):c.5226dup (p.Lys1743Ter)

Gene: VPS13B (vacuolar protein sorting 13 homolog B; plus strand). Cytogenetic location: 8q22.2.
Variant type: Duplication.
Coding change: c.5226dup on transcript NM_152564.5 (MANE Select); coding-DNA position 5226, one base duplicated (T; older notation c.5226dupT).
Protein change: p.Lys1743Ter; replaces lysine 1743 with a stop codon.
Molecular consequence: nonsense.
Genome position (GRCh38, 1-based): chr8:99,641,816, T duplicated. VCF-style (leftmost placement, unchanged base first): chr8-99641815-C-CT. GRCh37 (hg19) VCF-style: chr8-100654043-C-CT.
Other names: c.5226dupT (NM_152564.4); c.5301dup (NM_017890.4); c.5301dup, p.Lys1768Ter (NM_017890.5); c.5301dupT (NM_017890.4); short protein forms K1743*, K1768*.
Identifiers: ClinVar variation 556371 (VCV000556371.4), dbSNP rs1554884575, ClinGen allele CA658822576.

ClinVar aggregate classification (germline): Likely pathogenic. Review status: criteria provided, multiple submitters, no conflicts (2 of 4 stars). 3 submissions from 3 submitters: Likely pathogenic (2). 1 of the submissions does not count toward it. Last evaluated 2025-12-16.

Conditions:
VPS13B-related disorder. Also called: VPS13B-related condition.
Cohen syndrome (COH1). Also called: Cutis verticis gyrata, retinitis pigmentosa, and sensorineural deafness; PEPPER SYNDROME. Identifiers: Orphanet 193, MedGen C0265223, MONDO:0008999, OMIM 216550.

Submissions (3):

Natera, Inc.
Classification: Likely pathogenic for Cohen syndrome. Last evaluated: 2025-12-16. Review status: criteria provided, single submitter. Criteria: Natera Variant Classification Schema (03/2026). Collection method: clinical testing. Allele origin: germline.
Comment: The c.5301dup variant in VPS13B is a frameshift variant predicted to shift the reading frame and introduce a stop codon. This variant is expected to result in nonsense mediated decay, truncation, or a dysfunctional protein product. This variant is rare in the general population with a frequency below the threshold expected for the associated phenotype(s). Given the available evidence, this variant is classified as Likely Pathogenic.

PreventionGenetics, part of Exact Sciences
Classification: Likely pathogenic for VPS13B-related condition. Last evaluated: 2023-03-14. Review status: criteria provided, single submitter. Criteria: ACMG Guidelines, 2015. Collection method: clinical testing. Allele origin: germline.
Comment: The VPS13B c.5226dupT variant is predicted to result in premature protein termination (p.Lys1743*). To our knowledge, this variant has not been reported in the literature or in a large population database, indicating this variant is rare. However, nonsense variants in VPS13B are expected to be pathogenic. This variant is interpreted as likely pathogenic.

Counsyl
Classification: Likely pathogenic for Cohen syndrome. Last evaluated: 2018-01-25. Review status: no assertion criteria provided. Collection method: clinical testing. Allele origin: unknown. Not counted in ClinVar's aggregate classification.